The following is an entry in ClinVar:

NM_000812.4(GABRB1):c.687G>A (p.Ala229=)

Gene: GABRB1 (gamma-aminobutyric acid type A receptor subunit beta1; plus strand). Cytogenetic location: 4p12.
Variant type: single nucleotide variant.
Coding change: c.687G>A on transcript NM_000812.4 (MANE Select); coding-DNA position 687, G replaced by A.
Protein change: p.Ala229=; no amino-acid change (alanine 229 retained).
Molecular consequence: synonymous variant.
Genome position (GRCh38, 1-based): chr4:47,403,563, G>A. VCF-style: chr4-47403563-G-A. GRCh37 (hg19) VCF-style: chr4-47405580-G-A.
Identifiers: ClinVar variation 729136 (VCV000729136.23), dbSNP rs138912086, ClinGen allele CA2907673.

ClinVar aggregate classification (germline): Benign/Likely benign. Review status: criteria provided, multiple submitters, no conflicts (2 of 4 stars). 4 submissions from 4 submitters: Benign (2); Likely benign (2). Last evaluated 2026-04-06.

Conditions:
GABRB1-related disorder. Also called: GABRB1-related condition.

Allele frequency attached by ClinVar (database versions not stated): ESP Exome Variant Server 0.00246; gnomAD exomes 0.00054; ExAC 0.00069; 1000 Genomes Project 0.00100; 1000 Genomes Project 30x 0.00109; gnomAD 0.00168 and 0.00184; TOPMed 0.00175.
gnomAD v4.1: 537 of 1,613,784 alleles (0.033%); highest among the groups gnomAD compares: African/African-American, 0.52%; 1 homozygote.

Submissions (4):

PreventionGenetics, part of Exact Sciences
Classification: Benign for GABRB1-related condition. Last evaluated: 2026-04-06. Review status: criteria provided, single submitter. Criteria: ACMG Guidelines, 2015. Collection method: clinical testing. Allele origin: germline.
Comment: This variant is classified as benign based on ACMG/AMP sequence variant interpretation guidelines (Richards et al. 2015 PMID: 25741868, with internal and published modifications).

Labcorp Genetics (formerly Invitae), Labcorp
Classification: Benign. Last evaluated: 2026-01-21. Review status: criteria provided, single submitter. Criteria: Invitae Variant Classification Sherloc (09022015). Collection method: clinical testing. Allele origin: germline.

CeGaT Center for Human Genetics Tuebingen
Classification: Likely benign. Last evaluated: 2025-04-01. Review status: criteria provided, single submitter. Criteria: CeGaT Center For Human Genetics Tuebingen Variant Classification Criteria Version 2. Collection method: clinical testing. Allele origin: germline. Affected: yes. Observed: 1 variant allele.
Comment: GABRB1: BP4, BP7

Blueprint Genetics
Classification: Likely benign. Last evaluated: 2024-10-24. Review status: criteria provided, single submitter. Criteria: ACMG Guidelines, 2015. Collection method: clinical testing. Allele origin: germline.